The following is an entry in ClinVar:

ClinVar aggregate classification (germline): Likely pathogenic (1 of 4 stars; one submission).

Submission:

Labcorp Genetics (formerly Invitae), Labcorp
Classification: Likely pathogenic. Last evaluated: 2025-12-31. Review status: criteria provided, single submitter. Criteria: Invitae Variant Classification Sherloc (09022015). Collection method: clinical testing. Allele origin: germline.
Comment: This sequence change affects a donor splice site in intron 11 of the RAB3GAP1 gene. It is expected to disrupt RNA splicing. Variants that disrupt the donor or acceptor splice site typically lead to a loss of protein function (PMID: 16199547), and loss-of-function variants in RAB3GAP1 are known to be pathogenic (PMID: 23420520). This variant is not present in population databases (gnomAD no frequency). This variant has not been reported in the literature in individuals affected with RAB3GAP1-related conditions. Algorithms developed to predict the effect of sequence changes on RNA splicing suggest that this variant may disrupt the consensus splice site. In summary, the currently available evidence indicates that the variant is pathogenic, but additional data are needed to prove that conclusively. Therefore, this variant has been classified as Likely Pathogenic.

Literature cited by the submitters: PubMed 16199547; PubMed 23420520.

NM_012233.3(RAB3GAP1):c.973+1G>C

Gene: RAB3GAP1 (RAB3 GTPase activating protein catalytic subunit 1; plus strand). Cytogenetic location: 2q21.3.
Variant type: single nucleotide variant.
Coding change: c.973+1G>C on transcript NM_012233.3 (MANE Select); the canonical splice donor site of the intron after coding-DNA position 973, G replaced by C.
Molecular consequence: splice donor variant.
Genome position (GRCh38, 1-based): chr2:135,126,657, G>C. VCF-style: chr2-135126657-G-C. GRCh37 (hg19) VCF-style: chr2-135884227-G-C.
Other names: c.973+1G>C (NM_001172435.2).
Identifiers: ClinVar variation 4734195 (VCV004734195.1).
Genomic context (GRCh38, chr2:135,126,657, plus strand): 5'-TTCAAGCTCCACATTGGTCTGTTAGAGTTCGAAAAGCTGAGAATCCTCAGTGTTTGCTAG[G>C]TAAGGTATATTATGCTCCTTTCCTGAAATACTGCTGATCTGCCTAACTTCCAAATCGGAG-3'